The following is an entry in ClinVar:

NM_004408.4(DNM1):c.1246C>G (p.Gln416Glu)

Gene: DNM1 (dynamin 1; plus strand). Cytogenetic location: 9q34.11.
Variant type: single nucleotide variant.
Coding change: c.1246C>G on transcript NM_004408.4 (MANE Select); coding-DNA position 1246, C replaced by G.
Protein change: p.Gln416Glu; replaces glutamine 416 with glutamic acid.
Molecular consequence: missense variant. On other transcripts: intron variant (3).
Genome position (GRCh38, 1-based): chr9:128,224,300, C>G. VCF-style: chr9-128224300-C-G. GRCh37 (hg19) VCF-style: chr9-130986579-C-G.
Other names: c.1246C>G, p.Gln416Glu (NM_001005336.3); c.1196+1440C>G (NM_001288738.2, NM_001288737.2, NM_001288739.2); short protein forms Q416E.
Identifiers: ClinVar variation 647582 (VCV000647582.11), dbSNP rs866836375, ClinGen allele CA200350939.

ClinVar aggregate classification (germline): Uncertain significance (1 of 4 stars; one submission).

Conditions:
Developmental and epileptic encephalopathy, 31A. Also called: Epileptic encephalopathy, early infantile, 31; Developmental and epileptic encephalopathy, 31. Identifiers: Orphanet 2382, MedGen C4225357, MONDO:0014598, OMIM 616346.

Submission:

Labcorp Genetics (formerly Invitae), Labcorp
Classification: Uncertain significance for Developmental and epileptic encephalopathy, 31A. Last evaluated: 2019-07-18. Review status: criteria provided, single submitter. Criteria: Invitae Variant Classification Sherloc (09022015). Collection method: clinical testing. Allele origin: germline.
Comment: In summary, the available evidence is currently insufficient to determine the role of this variant in disease. Therefore, it has been classified as a Variant of Uncertain Significance. Algorithms developed to predict the effect of missense changes on protein structure and function are either unavailable or do not agree on the potential impact of this missense change (SIFT: "Deleterious"; PolyPhen-2: "Possibly Damaging"; Align-GVGD: "Class C0"). This variant has not been reported in the literature in individuals with DNM1-related disease. This variant is not present in population databases (ExAC no frequency). This sequence change replaces glutamine with glutamic acid at codon 416 of the DNM1 protein (p.Gln416Glu). The glutamine residue is highly conserved and there is a small physicochemical difference between glutamine and glutamic acid.